The following is an entry in ClinVar:

NM_001267550.2(TTN):c.13080A>C (p.Lys4360Asn)

Gene: TTN (titin; minus strand). Cytogenetic location: 2q31.2.
Variant type: single nucleotide variant.
Coding change: c.13080A>C on transcript NM_001267550.2 (MANE Select); coding-DNA position 13080, A replaced by C.
Protein change: p.Lys4360Asn; replaces lysine 4360 with asparagine.
Molecular consequence: missense variant. On other transcripts: intron variant (1).
Genome position (GRCh38, 1-based): chr2:178,740,153, T>G on the plus strand (A>C on the coding strand, the complement: TTN is on the minus strand). VCF-style: chr2-178740153-T-G. GRCh37 (hg19) VCF-style: chr2-179604880-T-G.
Other names: c.12129A>C, p.Lys4043Asn (NM_001256850.1); c.11991A>C, p.Lys3997Asn (NM_003319.4); c.12366A>C, p.Lys4122Asn (NM_133432.3); c.12567A>C, p.Lys4189Asn (NM_133437.4); c.10361-1793A>C (NM_133378.4); short protein forms K3997N, K4043N, K4122N, K4189N, K4360N.
Identifiers: ClinVar variation 4823103 (VCV004823103.4).

ClinVar aggregate classification (germline): Uncertain significance (1 of 4 stars; one submission).

Submission:

CeGaT Center for Human Genetics Tuebingen
Classification: Uncertain significance. Last evaluated: 2026-01-01. Review status: criteria provided, single submitter. Criteria: CeGaT Center For Human Genetics Tuebingen Variant Classification Criteria Version 2. Collection method: clinical testing. Allele origin: germline. Affected: yes. Observed: 1 variant allele.
Comment: TTN: PM2, BP4